The following is an entry in ClinVar:

NM_006009.4(TUBA1A):c.1204C>G (p.Arg402Gly)

Gene: TUBA1A (tubulin alpha 1a; minus strand). Cytogenetic location: 12q13.12.
Variant type: single nucleotide variant.
Coding change: c.1204C>G on transcript NM_006009.4 (MANE Select); coding-DNA position 1204, C replaced by G.
Protein change: p.Arg402Gly; replaces arginine 402 with glycine.
Molecular consequence: missense variant.
Genome position (GRCh38, 1-based): chr12:49,185,162, G>C on the plus strand (C>G on the coding strand, the complement: TUBA1A is on the minus strand). VCF-style: chr12-49185162-G-C. GRCh37 (hg19) VCF-style: chr12-49578945-G-C.
Other names: c.1204C>G, p.Arg402Gly (NM_001270399.2); c.1099C>G, p.Arg367Gly (NM_001270400.2); short protein forms R367G, R402G.
Identifiers: ClinVar variation 2630903 (VCV002630903.1), dbSNP rs587784483, ClinGen allele CA384634670.

ClinVar aggregate classification (germline): Uncertain significance (1 of 4 stars; one submission).

Conditions:
TUBA1A-related disorder. Also called: TUBA1A-related condition.

Submission:

PreventionGenetics, part of Exact Sciences
Classification: Uncertain significance for TUBA1A-related condition. Last evaluated: 2023-09-15. Review status: criteria provided, single submitter. Criteria: ACMG Guidelines, 2015. Collection method: clinical testing. Allele origin: germline.
Comment: The TUBA1A c.1204C>G variant is predicted to result in the amino acid substitution p.Arg402Gly. To our knowledge, this variant has not been reported in the literature or in a large population database, indicating this variant is rare. At this time, the clinical significance of this variant is uncertain due to the absence of conclusive functional and genetic evidence.